The following is an entry in ClinVar:

ClinVar aggregate classification (germline): Uncertain significance (1 of 4 stars; one submission).

Conditions:
Hereditary cancer-predisposing syndrome. Also called: Tumor predisposition; Hereditary Cancer Syndrome; Neoplastic Syndromes, Hereditary; Hereditary neoplastic syndrome. Identifiers: Orphanet 140162, MedGen C0027672, MeSH D009386, MONDO:0015356.

Submission:

Ambry Genetics
Classification: Uncertain significance for Hereditary cancer-predisposing syndrome. Last evaluated: 2021-10-14. Review status: criteria provided, single submitter. Criteria: Ambry Variant Classification Scheme 2023. Collection method: clinical testing. Allele origin: germline.
Comment: The p.L368P variant (also known as c.1103T>C), located in coding exon 10 of the TSC2 gene, results from a T to C substitution at nucleotide position 1103. The leucine at codon 368 is replaced by proline, an amino acid with similar properties. This amino acid position is highly conserved in available vertebrate species. In addition, this alteration is predicted to be deleterious by in silico analysis. Since supporting evidence is limited at this time, the clinical significance of this alteration remains unclear.

NM_000548.5(TSC2):c.1103T>C (p.Leu368Pro)

Gene: TSC2 (TSC complex subunit 2; plus strand). Cytogenetic location: 16p13.3.
Variant type: single nucleotide variant.
Coding change: c.1103T>C on transcript NM_000548.5 (MANE Select); coding-DNA position 1103, T replaced by C.
Protein change: p.Leu368Pro; replaces leucine 368 with proline.
Molecular consequence: missense variant.
Genome position (GRCh38, 1-based): chr16:2,060,797, T>C. VCF-style: chr16-2060797-T-C. GRCh37 (hg19) VCF-style: chr16-2110798-T-C.
Other names: c.1103T>C, p.Leu368Pro (NM_001077183.3, NM_001114382.3, NM_001363528.2 and 6 more transcripts); c.992T>C, p.Leu331Pro (NM_001318827.2, NM_001406670.1, NM_001406678.1); c.956T>C, p.Leu319Pro (NM_001318829.2, NM_001406675.1, NM_001406676.1 and 1 more transcripts); c.503T>C, p.Leu168Pro (NM_001318831.2, NM_001406680.1, NM_001406682.1 and 6 more transcripts); c.1136T>C, p.Leu379Pro (NM_001318832.2); c.1193T>C, p.Leu398Pro (NM_001406667.1, NM_001406668.1); c.1091T>C, p.Leu364Pro (NM_001406671.1, NM_001406673.1); c.1046T>C, p.Leu349Pro (NM_001406677.1); and 4 more; short protein forms L168P, L364P, L214P, L319P, L349P, L398P, L331P, L368P.
Identifiers: ClinVar variation 1793110 (VCV001793110.2), dbSNP rs2151138758, ClinGen allele CA394318285.